The following is an entry in ClinVar:

NM_000780.4(CYP7A1):c.54A>G (p.Leu18=)

Genes: CYP7A1 (cytochrome P450 family 7 subfamily A member 1; minus strand), LOC110596866 (CYP7A1 5' regulatory region; plus strand). Cytogenetic location: 8q12.1.
Variant type: single nucleotide variant.
Coding change: c.54A>G on transcript NM_000780.4 (MANE Select); coding-DNA position 54, A replaced by G.
Protein change: p.Leu18=; no amino-acid change (leucine 18 retained).
Molecular consequence: synonymous variant.
Genome position (GRCh38, 1-based): chr8:58,500,045, T>C on the plus strand (A>G on the coding strand, the complement: CYP7A1 is on the minus strand). VCF-style: chr8-58500045-T-C. GRCh37 (hg19) VCF-style: chr8-59412604-T-C.
Other names: c.54A>G (NM_000780.3).
Identifiers: ClinVar variation 3715138 (VCV003715138.3).
Genomic context (GRCh38, chr8:58,500,045, plus strand): 5'-TCAAAGAGCAATTTAAAGATAAAACATTACTTACCTTCTCCTAATTCCAAGAATAAGCCA[T>C]AGACAACAGCATGCTGCTATAGCAATCCCCCAAATCAAAGATGTGGTCATCATTTTGCAA-3'
Protein context (NP_000771.2, residues 8-28): WGIAIAACCC[Leu18=]WLILGIRRRQ

ClinVar aggregate classification (germline): Likely benign. Review status: criteria provided, multiple submitters, no conflicts (2 of 4 stars). 2 submissions from 2 submitters: Likely benign (2). Last evaluated 2025-04-10.

Conditions:
CYP7A1-related disorder. Also called: CYP7A1-related condition.

gnomAD v4.1: 9 of 1,612,782 alleles (0.00056%); highest among the groups gnomAD compares: Admixed American, 0.0083%; no homozygotes.

Submissions (2):

PreventionGenetics, part of Exact Sciences
Classification: Likely benign for CYP7A1-related condition. Last evaluated: 2025-04-10. Review status: criteria provided, single submitter. Criteria: ACMG Guidelines, 2015. Collection method: clinical testing. Allele origin: germline.
Comment: This variant is classified as likely benign based on ACMG/AMP sequence variant interpretation guidelines (Richards et al. 2015 PMID: 25741868, with internal and published modifications).

Labcorp Genetics (formerly Invitae), Labcorp
Classification: Likely benign. Last evaluated: 2024-03-25. Review status: criteria provided, single submitter. Criteria: Invitae Variant Classification Sherloc (09022015). Collection method: clinical testing. Allele origin: germline.